The following is an entry in ClinVar:

NM_015046.7(SETX):c.5403A>C (p.Lys1801Asn)

Gene: SETX (senataxin; minus strand). Cytogenetic location: 9q34.13.
Variant type: single nucleotide variant.
Coding change: c.5403A>C on transcript NM_015046.7 (MANE Select); coding-DNA position 5403, A replaced by C.
Protein change: p.Lys1801Asn; replaces lysine 1801 with asparagine.
Molecular consequence: missense variant.
Genome position (GRCh38, 1-based): chr9:132,300,775, T>G on the plus strand (A>C on the coding strand, the complement: SETX is on the minus strand). VCF-style: chr9-132300775-T-G. GRCh37 (hg19) VCF-style: chr9-135176162-T-G.
Other names: c.5403A>C, p.Lys1801Asn (NM_001351527.2, NM_001351528.2); short protein forms K1801N.
Identifiers: ClinVar variation 913575 (VCV000913575.9), dbSNP rs762071010, ClinGen allele CA5296980.

ClinVar aggregate classification (germline): Uncertain significance. Review status: criteria provided, multiple submitters, no conflicts (2 of 4 stars). 6 submissions from 4 submitters: Uncertain significance (6). Last evaluated 2023-07-12.

Conditions:
Spinocerebellar ataxia, autosomal recessive, with axonal neuropathy 2 (SCAN2). Also called: ATAXIA-OCULOMOTOR APRAXIA 2; Ataxia-ocular apraxia-2; Ataxia with Oculomotor Apraxia; Ataxia with Oculomotor Apraxia Type 2. Identifiers: Orphanet 64753, MedGen C1853761, MONDO:0018996, OMIM 606002.
Amyotrophic lateral sclerosis type 4 (ALS4). Also called: AMYOTROPHIC LATERAL SCLEROSIS 4, JUVENILE; NEURONOPATHY, DISTAL HEREDITARY MOTOR, WITH PYRAMIDAL FEATURES. Identifiers: Orphanet 357043, MedGen C1865409, MONDO:0011223, OMIM 602433.

Allele frequency attached by ClinVar (database versions not stated): gnomAD exomes 0.00001 and 0.00002; ExAC 0.00002; TOPMed 0.00003.
gnomAD v4.1: 10 of 1,613,410 alleles (0.00062%); highest among the groups gnomAD compares: East Asian, 0.011%; no homozygotes.

Submissions (6):

Labcorp Genetics (formerly Invitae), Labcorp
Classification: Uncertain significance for Amyotrophic lateral sclerosis type 4; Spinocerebellar ataxia, autosomal recessive, with axonal neuropathy 2. Last evaluated: 2023-07-12. Review status: criteria provided, single submitter. Criteria: Invitae Variant Classification Sherloc (09022015). Collection method: clinical testing. Allele origin: germline.
Comment: This sequence change replaces lysine, which is basic and polar, with asparagine, which is neutral and polar, at codon 1801 of the SETX protein (p.Lys1801Asn). This variant is present in population databases (rs762071010, gnomAD 0.02%). This missense change has been observed in individual(s) with clinical features of amyotrophic lateral sclerosis (PMID: 32166880, 32729724). ClinVar contains an entry for this variant (Variation ID: 913575). Advanced modeling of protein sequence and biophysical properties (such as structural, functional, and spatial information, amino acid conservation, physicochemical variation, residue mobility, and thermodynamic stability) performed at Invitae indicates that this missense variant is not expected to disrupt SETX protein function. In summary, the available evidence is currently insufficient to determine the role of this variant in disease. Therefore, it has been classified as a Variant of Uncertain Significance.

Genome-Nilou Lab
Classification: Uncertain significance for Spinocerebellar ataxia, autosomal recessive, with axonal neuropathy 2. Last evaluated: 2023-02-08. Review status: criteria provided, single submitter. Criteria: ACMG Guidelines, 2015. Collection method: clinical testing. Allele origin: germline.

Genome-Nilou Lab
Classification: Uncertain significance for Amyotrophic lateral sclerosis type 4. Last evaluated: 2023-02-08. Review status: criteria provided, single submitter. Criteria: ACMG Guidelines, 2015. Collection method: clinical testing. Allele origin: germline.

Athena Diagnostics
Classification: Uncertain significance. Last evaluated: 2020-04-30. Review status: criteria provided, single submitter. Criteria: Athena Diagnostics Criteria. Collection method: clinical testing. Allele origin: unknown.

Illumina Laboratory Services, Illumina
Classification: Uncertain significance for Amyotrophic lateral sclerosis type 4. Last evaluated: 2017-04-27. Review status: criteria provided, single submitter. Criteria: ICSL Variant Classification Criteria 13 December 2019. Collection method: clinical testing. Allele origin: germline.

Illumina Laboratory Services, Illumina
Classification: Uncertain significance for Spinocerebellar ataxia, autosomal recessive, with axonal neuropathy 2. Last evaluated: 2017-04-27. Review status: criteria provided, single submitter. Criteria: ICSL Variant Classification Criteria 13 December 2019. Collection method: clinical testing. Allele origin: germline.

Literature cited by the submitters: PubMed 32166880 (cited by Labcorp Genetics (formerly Invitae), Labcorp); PubMed 32729724 (cited by Labcorp Genetics (formerly Invitae), Labcorp).